The following is an entry in ClinVar:

NM_000422.3(KRT17):c.1163T>C (p.Leu388Pro)

Gene: KRT17 (keratin 17; minus strand). Cytogenetic location: 17q21.2.
Variant type: single nucleotide variant.
Coding change: c.1163T>C on transcript NM_000422.3 (MANE Select); coding-DNA position 1163, T replaced by C.
Protein change: p.Leu388Pro; replaces leucine 388 with proline.
Molecular consequence: missense variant.
Genome position (GRCh38, 1-based): chr17:41,620,677, A>G on the plus strand (T>C on the coding strand, the complement: KRT17 is on the minus strand). VCF-style: chr17-41620677-A-G. GRCh37 (hg19) VCF-style: chr17-39776929-A-G.
Other names: short protein forms L388P.
Identifiers: ClinVar variation 66181 (VCV000066181.3), dbSNP rs56690581, ClinGen allele CA216604.
Genomic context (GRCh38, chr17:41,620,677, plus strand): 5'-GCCAAGAGACCCCCAGCCCTGACCCCAGGCGCCCCCACTCACTGGGCATCCTCTCCCTCC[A>G]GCAGGCGGCGGTAGGTGGCAATCTCCTGCTCCAGCCGCGTCTTCACATCCAGCAGGATTT-3'
Protein context (NP_000413.1, residues 378-398): EQEIATYRRL[Leu388Pro]EGEDAHLTQY

ClinVar aggregate classification (germline): Likely pathogenic. Review status: criteria provided, single submitter (1 of 4 stars). 2 submissions from 2 submitters: Likely pathogenic (1). 1 of the submissions does not count toward it. Last evaluated 2024-05-28.

Submissions (2):

Labcorp Genetics (formerly Invitae), Labcorp
Classification: Likely pathogenic. Last evaluated: 2024-05-28. Review status: criteria provided, single submitter. Criteria: Invitae Variant Classification Sherloc (09022015). Collection method: clinical testing. Allele origin: germline.
Comment: This sequence change replaces leucine, which is neutral and non-polar, with proline, which is neutral and non-polar, at codon 388 of the KRT17 protein (p.Leu388Pro). This variant is not present in population databases (gnomAD no frequency). This missense change has been observed in individuals with pachyonychia congenita (PMID: 16250206, 23683487, 31823354; Invitae). ClinVar contains an entry for this variant (Variation ID: 66181). Advanced modeling of protein sequence and biophysical properties (such as structural, functional, and spatial information, amino acid conservation, physicochemical variation, residue mobility, and thermodynamic stability) performed at Invitae indicates that this missense variant is expected to disrupt KRT17 protein function with a positive predictive value of 80%. This variant disrupts the p.Leu388 amino acid residue in KRT17. Other variant(s) that disrupt this residue have been determined to be pathogenic (PMID: 23278621). This suggests that this residue is clinically significant, and that variants that disrupt this residue are likely to be disease-causing. In summary, the currently available evidence indicates that the variant is pathogenic, but additional data are needed to prove that conclusively. Therefore, this variant has been classified as Likely Pathogenic.

Epithelial Biology;  Institute of Medical Biology, Singapore
No classification provided. Review status: no classification provided. Collection method: not provided. Allele origin: not provided. Not counted in ClinVar's aggregate classification.

Literature cited by the submitters: PubMed 16250206 (cited by Labcorp Genetics (formerly Invitae), Labcorp); PubMed 23683487 (cited by Labcorp Genetics (formerly Invitae), Labcorp); PubMed 31823354 (cited by Labcorp Genetics (formerly Invitae), Labcorp); PubMed 23278621 (cited by Labcorp Genetics (formerly Invitae), Labcorp).